The following is an entry in ClinVar:

ClinVar aggregate classification (germline): Pathogenic (1 of 4 stars; one submission).

Conditions:
Seizures, benign familial neonatal, 1. Also called: KCNQ2-Related Benign Familial Neonatal Epilepsy; Benign Neonatal Epilepsy 1; KCNQ2-Related Self-Limited Familial Neonatal Epilepsy (SLFNE); Seizures, benign neonatal, 1. Identifiers: Orphanet 1949, MedGen C3149074, MONDO:0007365, OMIM 121200.
Developmental and epileptic encephalopathy, 7 (DEE7). Also called: KCNQ2-Related Neonatal Epileptic Encephalopathy; Early infantile epileptic encephalopathy 7; KCNQ2-Related Neonatal-Onset Developmental and Epileptic Encephalopathy (NEO-DEE). Identifiers: Orphanet 439218, MedGen C3150986, MONDO:0013387, OMIM 613720.

Submission:

Molecular Genetics Department, Kulakov National Medical Research Center for Obstetrics, Gynecology and Perinatology
Classification: Pathogenic for Seizures, benign familial neonatal, 1; Developmental and epileptic encephalopathy, 7. Review status: criteria provided, single submitter. Criteria: ACMG Guidelines, 2015. Collection method: clinical testing. Allele origin: de novo. Affected: yes. Observed: 1 variant allele.
Comment: A previously undescribed heterozygous nucleotide variant creates a missense p.Gly301Cys in the KCNQ2 gene. Heterozygous variants are reported in patients with developmental and epileptic encephalopathy 7, 613720; Seizures, benign neonatal, 1, 121200. Other variants leading to an amino acid substitution at the same position (p.Gly301Asp, p.Gly301Ser) have been described in patients with epileptic encephalopathy [Popp et al., 2017, PMID: 29158550; Lindy et al., 2018, PMID: 29655203; Goto et al., 2019, PMID: 31418850]. Pathogenicity prediction tools categorized the variant as pathogenic (Sift: 0.02, PolyPhen: 0.724, CADD: 24.50). Sanger sequencing revealed that the variant arose de novo (parentage confirmed). The variant is not present in population database (gnomAD no frequency). In summary, this variant has been classified as pathogenic.

Literature cited by the submitters: PubMed 29158550; PubMed 29655203; PubMed 31418850.

NM_172107.4(KCNQ2):c.901G>T (p.Gly301Cys)

Gene: KCNQ2 (potassium voltage-gated channel subfamily Q member 2; minus strand). Cytogenetic location: 20q13.33.
Variant type: single nucleotide variant.
Coding change: c.901G>T on transcript NM_172107.4 (MANE Select); coding-DNA position 901, G replaced by T.
Protein change: p.Gly301Cys; replaces glycine 301 with cysteine.
Molecular consequence: missense variant.
Genome position (GRCh38, 1-based): chr20:63,439,624, C>A on the plus strand (G>T on the coding strand, the complement: KCNQ2 is on the minus strand). VCF-style: chr20-63439624-C-A. GRCh37 (hg19) VCF-style: chr20-62070977-C-A.
Other names: c.901G>T, p.Gly301Cys (NM_001382235.1, NM_001439003.1, NM_001439004.1 and 4 more transcripts); short protein forms G301C.
Identifiers: ClinVar variation 4294524 (VCV004294524.1).